The following is an entry in ClinVar:

ClinVar aggregate classification (germline): Uncertain significance. Review status: criteria provided, multiple submitters, no conflicts (2 of 4 stars). 2 submissions from 2 submitters: Uncertain significance (2). Last evaluated 2025-06-13.

Conditions:
Familial porphyria cutanea tarda (PCT). Also called: PCT, ''FAMILIAL'' TYPE; PCT, TYPE II; PORPHYRIA CUTANEA TARDA, TYPE II; PORPHYRIA, HEPATOCUTANEOUS TYPE; UROD DEFICIENCY; UROPORPHYRINOGEN DECARBOXYLASE DEFICIENCY. Identifiers: Orphanet 101330, Orphanet 443062, MedGen C0268323, MONDO:0008296, OMIM 176100.

Allele frequency attached by ClinVar (database versions not stated): gnomAD exomes 0.00003 and 0.00012; ExAC 0.00016; gnomAD 0.00030 and 0.00032; TOPMed 0.00043; 1000 Genomes Project 0.00060; 1000 Genomes Project 30x 0.00062; ESP Exome Variant Server 0.00062.
gnomAD v4.1: 98 of 1,614,152 alleles (0.0061%); highest among the groups gnomAD compares: African/African-American, 0.11%; no homozygotes.

Submissions (2):

Labcorp Genetics (formerly Invitae), Labcorp
Classification: Uncertain significance. Last evaluated: 2025-06-13. Review status: criteria provided, single submitter. Criteria: Invitae Variant Classification Sherloc (09022015). Collection method: clinical testing. Allele origin: germline.
Comment: This sequence change replaces arginine, which is basic and polar, with cysteine, which is neutral and slightly polar, at codon 148 of the UROD protein (p.Arg148Cys). This variant is present in population databases (rs147374926, gnomAD 0.1%). This variant has not been reported in the literature in individuals affected with UROD-related conditions. ClinVar contains an entry for this variant (Variation ID: 874341). Invitae Evidence Modeling of protein sequence and biophysical properties (such as structural, functional, and spatial information, amino acid conservation, physicochemical variation, residue mobility, and thermodynamic stability) has been performed for this missense variant. However, the output from this modeling did not meet the statistical confidence thresholds required to predict the impact of this variant on UROD protein function. In summary, the available evidence is currently insufficient to determine the role of this variant in disease. Therefore, it has been classified as a Variant of Uncertain Significance.

Illumina Laboratory Services, Illumina
Classification: Uncertain significance for Familial porphyria cutanea tarda. Last evaluated: 2017-04-27. Review status: criteria provided, single submitter. Criteria: ICSL Variant Classification Criteria 13 December 2019. Collection method: clinical testing. Allele origin: germline.
Comment: This variant was observed as part of a predisposition screen in an ostensibly healthy population. A literature search was performed for the gene, cDNA change, and amino acid change (where applicable). Publications were found based on this search. However, the evidence from the literature, in combination with allele frequency data from public databases where available, was not sufficient to rule this variant in or out of causing disease. Therefore, this variant is classified as a variant of unknown significance.

Literature cited by the submitters: PubMed 24777812 (cited by Illumina Laboratory Services, Illumina).

NM_000374.5(UROD):c.442C>T (p.Arg148Cys)

Gene: UROD (uroporphyrinogen decarboxylase; plus strand). Cytogenetic location: 1p34.1.
Variant type: single nucleotide variant.
Coding change: c.442C>T on transcript NM_000374.5 (MANE Select); coding-DNA position 442, C replaced by T.
Protein change: p.Arg148Cys; replaces arginine 148 with cysteine.
Molecular consequence: missense variant. On other transcripts: non-coding transcript variant (3).
Genome position (GRCh38, 1-based): chr1:45,013,759, C>T. VCF-style: chr1-45013759-C-T. GRCh37 (hg19) VCF-style: chr1-45479431-C-T.
Other names: short protein forms R148C.
Identifiers: ClinVar variation 874341 (VCV000874341.8), dbSNP rs147374926, ClinGen allele CA825243.